The following is an entry in ClinVar:

NM_003098.3(SNTA1):c.761A>G (p.Glu254Gly)

Gene: SNTA1 (syntrophin alpha 1; minus strand). Cytogenetic location: 20q11.21.
Variant type: single nucleotide variant.
Coding change: c.761A>G on transcript NM_003098.3 (MANE Select); coding-DNA position 761, A replaced by G.
Protein change: p.Glu254Gly; replaces glutamic acid 254 with glycine.
Molecular consequence: missense variant.
Genome position (GRCh38, 1-based): chr20:33,412,723, T>C on the plus strand (A>G on the coding strand, the complement: SNTA1 is on the minus strand). VCF-style: chr20-33412723-T-C. GRCh37 (hg19) VCF-style: chr20-32000529-T-C.
Other names: short protein forms E254G.
Identifiers: ClinVar variation 1759828 (VCV001759828.5), dbSNP rs2515499030, ClinGen allele CA408631774.

ClinVar aggregate classification (germline): Uncertain significance. Review status: criteria provided, multiple submitters, no conflicts (2 of 4 stars). 2 submissions from 2 submitters: Uncertain significance (2). Last evaluated 2023-07-25.

Conditions:
Long QT syndrome (LQTS). Identifiers: MedGen C0023976, MeSH D008133, MONDO:0002442. Disease mechanism: loss of function. Inheritance: Various modes of inheritance.
Cardiovascular phenotype. Identifiers: MedGen CN230736.

Submissions (2):

Labcorp Genetics (formerly Invitae), Labcorp
Classification: Uncertain significance for Long QT syndrome. Last evaluated: 2023-07-25. Review status: criteria provided, single submitter. Criteria: Invitae Variant Classification Sherloc (09022015). Collection method: clinical testing. Allele origin: germline.
Comment: ClinVar contains an entry for this variant (Variation ID: 1759828). This sequence change replaces glutamic acid, which is acidic and polar, with glycine, which is neutral and non-polar, at codon 254 of the SNTA1 protein (p.Glu254Gly). This variant is not present in population databases (gnomAD no frequency). This variant has not been reported in the literature in individuals affected with SNTA1-related conditions. Advanced modeling of protein sequence and biophysical properties (such as structural, functional, and spatial information, amino acid conservation, physicochemical variation, residue mobility, and thermodynamic stability) performed at Invitae indicates that this missense variant is not expected to disrupt SNTA1 protein function. In summary, the available evidence is currently insufficient to determine the role of this variant in disease. Therefore, it has been classified as a Variant of Uncertain Significance.

Ambry Genetics
Classification: Uncertain significance for Cardiovascular phenotype. Last evaluated: 2021-09-07. Review status: criteria provided, single submitter. Criteria: Ambry Variant Classification Scheme 2023. Collection method: clinical testing. Allele origin: germline.
Comment: The p.E254G variant (also known as c.761A>G), located in coding exon 4 of the SNTA1 gene, results from an A to G substitution at nucleotide position 761. The glutamic acid at codon 254 is replaced by glycine, an amino acid with similar properties. This amino acid position is conserved. In addition, this alteration is predicted to be tolerated by in silico analysis. Since supporting evidence is limited at this time, the clinical significance of this alteration remains unclear.